The following is an entry in ClinVar:

ClinVar aggregate classification (germline): Pathogenic (1 of 4 stars; one submission).

Conditions:
Duane-radial ray syndrome (DRRS). Also called: DR SYNDROME; ACRORENOOCULAR SYNDROME; DUANE ANOMALY WITH RADIAL RAY ABNORMALITIES AND DEAFNESS; Duane-Radial Ray Syndrome/Okihiro Syndrome; Duane-Radial Ray Syndrome (DRRS) / Okihiro Syndrome; Okihiro Syndrome. Identifiers: Orphanet 93293, Orphanet 959, MedGen C1623209, MONDO:0011812, OMIM 607323. Disease mechanism: gain of function.

Submission:

Labcorp Genetics (formerly Invitae), Labcorp
Classification: Pathogenic for Duane-radial ray syndrome. Last evaluated: 2022-10-13. Review status: criteria provided, single submitter. Criteria: Invitae Variant Classification Sherloc (09022015). Collection method: clinical testing. Allele origin: germline.
Comment: For these reasons, this variant has been classified as Pathogenic. This variant has not been reported in the literature in individuals affected with SALL4-related conditions. This variant is not present in population databases (gnomAD no frequency). This sequence change creates a premature translational stop signal (p.Ser491*) in the SALL4 gene. It is expected to result in an absent or disrupted protein product. Loss-of-function variants in SALL4 are known to be pathogenic (PMID: 15342710, 16086360).

Literature cited by the submitters: PubMed 15342710; PubMed 16086360.

NM_020436.5(SALL4):c.1472C>A (p.Ser491Ter)

Gene: SALL4 (spalt like transcription factor 4; minus strand). Cytogenetic location: 20q13.2.
Variant type: single nucleotide variant.
Coding change: c.1472C>A on transcript NM_020436.5 (MANE Select); coding-DNA position 1472, C replaced by A.
Protein change: p.Ser491Ter; replaces serine 491 with a stop codon.
Molecular consequence: nonsense. On other transcripts: intron variant (1).
Genome position (GRCh38, 1-based): chr20:51,791,011, G>T on the plus strand (C>A on the coding strand, the complement: SALL4 is on the minus strand). VCF-style: chr20-51791011-G-T. GRCh37 (hg19) VCF-style: chr20-50407550-G-T.
Other names: c.1150+322C>A (NM_001318031.2); short protein forms S491*.
Identifiers: ClinVar variation 2035463 (VCV002035463.4), dbSNP rs141604488, ClinGen allele CA409010361.